The following is an entry in ClinVar:

ClinVar aggregate classification (germline): Uncertain significance (1 of 4 stars; one submission).

Conditions:
3-methylglutaconic aciduria, type VIIB (MGCA7B). Also called: CLPB Deficiency; 3-methylglutaconic aciduria, type VII, with cataracts, neurologic involvement and neutropenia; 3-methylglutaconic aciduria with cataracts, neurologic involvement and neutropenia. Identifiers: Orphanet 445038, MedGen C5676893, MONDO:0014561, OMIM 616271.

gnomAD v4.1: 1 of 1,613,816 alleles (0.000062%); highest among the groups gnomAD compares: South Asian, 0.0011%; no homozygotes.

Submission:

Labcorp Genetics (formerly Invitae), Labcorp
Classification: Uncertain significance for 3-methylglutaconic aciduria, type VIIB. Last evaluated: 2026-01-04. Review status: criteria provided, single submitter. Criteria: Invitae Variant Classification Sherloc (09022015). Collection method: clinical testing. Allele origin: germline.
Comment: This sequence change replaces alanine, which is neutral and non-polar, with glutamic acid, which is acidic and polar, at codon 636 of the CLPB protein (p.Ala636Glu). This variant is not present in population databases (gnomAD no frequency). This variant has not been reported in the literature in individuals affected with CLPB-related conditions. An algorithm developed to predict the effect of missense changes on protein structure and function (PolyPhen-2) suggests that this variant is likely to be tolerated. In summary, the available evidence is currently insufficient to determine the role of this variant in disease. Therefore, it has been classified as a Variant of Uncertain Significance.

NM_001258392.3(CLPB):c.1817C>A (p.Ala606Glu)

Gene: CLPB (ClpB family mitochondrial disaggregase; minus strand). Cytogenetic location: 11q13.4.
Variant type: single nucleotide variant.
Coding change: c.1817C>A on transcript NM_001258392.3 (MANE Select); coding-DNA position 1817, C replaced by A.
Protein change: p.Ala606Glu; replaces alanine 606 with glutamic acid.
Molecular consequence: missense variant.
Genome position (GRCh38, 1-based): chr11:72,293,584, G>T on the plus strand (C>A on the coding strand, the complement: CLPB is on the minus strand). VCF-style: chr11-72293584-G-T. GRCh37 (hg19) VCF-style: chr11-72004628-G-T.
Other names: c.1730C>A, p.Ala577Glu (NM_001258393.3); c.1772C>A, p.Ala591Glu (NM_001258394.3); c.1907C>A, p.Ala636Glu (NM_030813.6); short protein forms A577E, A606E, A591E, A636E.
Identifiers: ClinVar variation 4734427 (VCV004734427.1).
Genomic context (GRCh38, chr11:72,293,584, plus strand): 5'-GAGTCCTCCACCGTGATGCGCAAAGTACAGCCCCCTGGCAGCAGGTCCTGCTCATAGGCT[G>T]CTGCCAGCTGGTTCACCACACGGCGTTCTACCTGTCGGTGGGGAGGTGAAGTGGTCACTC-3'
Protein context (NP_001245321.1, residues 596-616): VERRVVNQLA[Ala606Glu]AYEQDLLPGG